The following is an entry in ClinVar:

NM_144997.7(FLCN):c.1026G>C (p.Lys342Asn)

Gene: FLCN (folliculin; minus strand). Cytogenetic location: 17p11.2.
Variant type: single nucleotide variant.
Coding change: c.1026G>C on transcript NM_144997.7 (MANE Select); coding-DNA position 1026, G replaced by C.
Protein change: p.Lys342Asn; replaces lysine 342 with asparagine.
Molecular consequence: missense variant.
Genome position (GRCh38, 1-based): chr17:17,219,055, C>G on the plus strand (G>C on the coding strand, the complement: FLCN is on the minus strand). VCF-style: chr17-17219055-C-G. GRCh37 (hg19) VCF-style: chr17-17122369-C-G.
Other names: c.1026G>C (NM_144997.5); c.1080G>C, p.Lys360Asn (NM_001353229.2); c.1026G>C, p.Lys342Asn (NM_001353230.2, NM_001353231.2); short protein forms K342N, K360N.
Identifiers: ClinVar variation 1582465 (VCV001582465.9), dbSNP rs777103374, ClinGen allele CA8416171.

ClinVar aggregate classification (germline): Conflicting classifications of pathogenicity. Review status: criteria provided, conflicting classifications (1 of 4 stars). 2 submissions from 2 submitters: Uncertain significance (1); Likely benign (1). Last evaluated 2025-09-05.

Conditions:
Hereditary cancer-predisposing syndrome. Also called: Neoplastic Syndromes, Hereditary; Hereditary neoplastic syndrome; Hereditary Cancer Syndrome; Tumor predisposition. Identifiers: Orphanet 140162, MedGen C0027672, MeSH D009386, MONDO:0015356.
Birt-Hogg-Dube syndrome. Also called: Birt Hogg Dubé syndrome. Identifiers: Orphanet 122, MedGen C0346010, MONDO:0800444.

Allele frequency attached by ClinVar (database versions not stated): ExAC 0.00024.
gnomAD v4.1: 10 of 1,613,702 alleles (0.00062%); highest among the groups gnomAD compares: Non-Finnish European, 0.00085%; no homozygotes.

Submissions (2):

Ambry Genetics
Classification: Uncertain significance for Hereditary cancer-predisposing syndrome. Last evaluated: 2025-09-05. Review status: criteria provided, single submitter. Criteria: Ambry Variant Classification Scheme 2023. Collection method: clinical testing. Allele origin: germline.
Comment: The p.K342N variant (also known as c.1026G>C), located in coding exon 6 of the FLCN gene, results from a G to C substitution at nucleotide position 1026. The lysine at codon 342 is replaced by asparagine, an amino acid with similar properties. This amino acid position is well conserved in available vertebrate species. In addition, this alteration is predicted to be tolerated by in silico analysis. Based on the available evidence, the clinical significance of this variant remains unclear.

Labcorp Genetics (formerly Invitae), Labcorp
Classification: Likely benign for Birt-Hogg-Dube syndrome. Last evaluated: 2025-09-05. Review status: criteria provided, single submitter. Criteria: Invitae Variant Classification Sherloc (09022015). Collection method: clinical testing. Allele origin: germline.